The following is an entry in ClinVar:

NM_001368067.1(LDB3):c.503A>T (p.Asp168Val)

Genes: LDB3 (LIM domain binding 3; plus strand), LOC110121486 (VISTA enhancer hs2143; plus strand). Cytogenetic location: 10q23.2.
Variant type: single nucleotide variant.
Coding change: c.503A>T on transcript NM_001368067.1 (MANE Plus Clinical); coding-DNA position 503, A replaced by T.
Protein change: p.Asp168Val; replaces aspartic acid 168 with valine.
Molecular consequence: missense variant. On other transcripts: intron variant (5).
Genome position (GRCh38, 1-based): chr10:86,687,227, A>T. VCF-style: chr10-86687227-A-T. GRCh37 (hg19) VCF-style: chr10-88446984-A-T.
Other names: c.503A>T, p.Asp168Val (NM_001080114.2, NM_001080116.1, NM_001368066.1 and 1 more transcripts); c.848A>T, p.Asp283Val (NM_001171610.2, NM_001171611.2); c.690-4669A>T (NM_001368064.1, NM_001368063.1, NM_007078.3 and 2 more transcripts); short protein forms D283V, D168V.
Identifiers: ClinVar variation 2844194 (VCV002844194.3), dbSNP rs2492641090, ClinGen allele CA377441864.

ClinVar aggregate classification (germline): Uncertain significance (1 of 4 stars; one submission).

Conditions:
Myofibrillar myopathy 4. Also called: Zaspopathy (type). Identifiers: Orphanet 98912, MedGen C4721886, MONDO:0012277, OMIM 609452.

Submission:

Labcorp Genetics (formerly Invitae), Labcorp
Classification: Uncertain significance for Myofibrillar myopathy 4. Last evaluated: 2025-08-06. Review status: criteria provided, single submitter. Criteria: Invitae Variant Classification Sherloc (09022015). Collection method: clinical testing. Allele origin: germline.
Comment: This sequence change replaces aspartic acid, which is acidic and polar, with valine, which is neutral and non-polar, at codon 168 of the LDB3 protein (p.Asp168Val). This variant is not present in population databases (gnomAD no frequency). This variant has not been reported in the literature in individuals affected with LDB3-related conditions. ClinVar contains an entry for this variant (Variation ID: 2844194). An algorithm developed to predict the effect of missense changes on protein structure and function (PolyPhen-2) suggests that this variant is likely to be disruptive. In summary, the available evidence is currently insufficient to determine the role of this variant in disease. Therefore, it has been classified as a Variant of Uncertain Significance.